The following is an entry in ClinVar:

ClinVar aggregate classification (germline): Likely benign. Review status: criteria provided, multiple submitters, no conflicts (2 of 4 stars). 4 submissions from 4 submitters: Likely benign (3). 1 of the submissions does not count toward it. Last evaluated 2026-06-01.

Conditions:
FLT1-related disorder. Also called: FLT1-related condition.

Allele frequency attached by ClinVar (database versions not stated): ESP Exome Variant Server 0.00085; 1000 Genomes Project 0.00100; 1000 Genomes Project 30x 0.00109; ExAC 0.00112; gnomAD exomes 0.00130 and 0.00132; gnomAD 0.00137 and 0.00148; TOPMed 0.00195.
gnomAD v4.1: 2,110 of 1,601,492 alleles (0.13%); highest among the groups gnomAD compares: Admixed American, 0.4%; 4 homozygotes.

Submissions (4):

CeGaT Center for Human Genetics Tuebingen
Classification: Likely benign. Last evaluated: 2026-06-01. Review status: criteria provided, single submitter. Criteria: CeGaT Center For Human Genetics Tuebingen Variant Classification Criteria Version 2. Collection method: clinical testing. Allele origin: germline. Affected: yes. Observed: 1 variant allele.
Comment: FLT1: BP4

Labcorp Genetics (formerly Invitae), Labcorp
Classification: Likely benign. Last evaluated: 2018-05-02. Review status: criteria provided, single submitter. Criteria: Invitae Variant Classification Sherloc (09022015). Collection method: clinical testing. Allele origin: germline.

Breakthrough Genomics
Classification: Likely benign. Review status: criteria provided, single submitter. Criteria: ACMG Guidelines, 2015. Collection method: not provided. Allele origin: germline. Inheritance: Unknown mechanism. Affected: yes.

PreventionGenetics, part of Exact Sciences
Classification: Likely benign for FLT1-related condition. Last evaluated: 2023-02-28. Review status: no assertion criteria provided. Collection method: clinical testing. Allele origin: germline. Not counted in ClinVar's aggregate classification.
Comment: This variant is classified as likely benign based on ACMG/AMP sequence variant interpretation guidelines (Richards et al. 2015 PMID: 25741868, with internal and published modifications).

NM_002019.4(FLT1):c.1644A>G (p.Ile548Met)

Gene: FLT1 (fms related receptor tyrosine kinase 1; minus strand). Cytogenetic location: 13q12.3.
Variant type: single nucleotide variant.
Coding change: c.1644A>G on transcript NM_002019.4 (MANE Select); coding-DNA position 1644, A replaced by G.
Protein change: p.Ile548Met; replaces isoleucine 548 with methionine.
Molecular consequence: missense variant.
Genome position (GRCh38, 1-based): chr13:28,396,976, T>C on the plus strand (A>G on the coding strand, the complement: FLT1 is on the minus strand). VCF-style: chr13-28396976-T-C. GRCh37 (hg19) VCF-style: chr13-28971113-T-C.
Other names: c.1644A>G, p.Ile548Met (NM_001159920.2, NM_001160030.2); short protein forms I548M.
Identifiers: ClinVar variation 713357 (VCV000713357.8), dbSNP rs148479824, ClinGen allele CA6930481.